The following is an entry in ClinVar:

NM_033026.6(PCLO):c.6808G>A (p.Ala2270Thr)

Gene: PCLO (piccolo presynaptic cytomatrix protein; minus strand). Cytogenetic location: 7q21.11.
Variant type: single nucleotide variant.
Coding change: c.6808G>A on transcript NM_033026.6 (MANE Select); coding-DNA position 6808, G replaced by A.
Protein change: p.Ala2270Thr; replaces alanine 2270 with threonine.
Molecular consequence: missense variant.
Genome position (GRCh38, 1-based): chr7:82,954,145, C>T on the plus strand (G>A on the coding strand, the complement: PCLO is on the minus strand). VCF-style: chr7-82954145-C-T. GRCh37 (hg19) VCF-style: chr7-82583461-C-T.
Other names: c.6808G>A, p.Ala2270Thr (NM_014510.3); short protein forms A2270T.
Identifiers: ClinVar variation 1949536 (VCV001949536.5), dbSNP rs780885885, ClinGen allele CA4320406.

ClinVar aggregate classification (germline): Uncertain significance (1 of 4 stars; one submission).

Allele frequency attached by ClinVar (database versions not stated): ExAC 0.00001; gnomAD exomes 0.00001.
gnomAD v4.1: 8 of 1,613,842 alleles (0.0005%); highest among the groups gnomAD compares: Non-Finnish European, 0.00059%; no homozygotes.

Submission:

Labcorp Genetics (formerly Invitae), Labcorp
Classification: Uncertain significance. Last evaluated: 2022-06-16. Review status: criteria provided, single submitter. Criteria: Invitae Variant Classification Sherloc (09022015). Collection method: clinical testing. Allele origin: germline.
Comment: This variant has not been reported in the literature in individuals affected with PCLO-related conditions. In summary, the available evidence is currently insufficient to determine the role of this variant in disease. Therefore, it has been classified as a Variant of Uncertain Significance. Algorithms developed to predict the effect of missense changes on protein structure and function output the following: SIFT: "Tolerated"; PolyPhen-2: "Not Available"; Align-GVGD: "Class C0". The threonine amino acid residue is found in multiple mammalian species, which suggests that this missense change does not adversely affect protein function. This variant is present in population databases (rs780885885, gnomAD 0.01%). This sequence change replaces alanine, which is neutral and non-polar, with threonine, which is neutral and polar, at codon 2270 of the PCLO protein (p.Ala2270Thr).